The following is an entry in ClinVar:

ClinVar aggregate classification (germline): Uncertain significance (1 of 4 stars; one submission).

Allele frequency attached by ClinVar (database versions not stated): gnomAD exomes 0.00001.
gnomAD v4.1: 7 of 1,546,750 alleles (0.00045%); highest among the groups gnomAD compares: African/African-American, 0.0014%; no homozygotes.

Submission:

Labcorp Genetics (formerly Invitae), Labcorp
Classification: Uncertain significance. Last evaluated: 2022-04-09. Review status: criteria provided, single submitter. Criteria: Invitae Variant Classification Sherloc (09022015). Collection method: clinical testing. Allele origin: germline.
Comment: This sequence change replaces threonine, which is neutral and polar, with asparagine, which is neutral and polar, at codon 371 of the LZTS1 protein (p.Thr371Asn). The frequency data for this variant in the population databases is considered unreliable, as metrics indicate poor data quality at this position in the gnomAD database. This variant has not been reported in the literature in individuals affected with LZTS1-related conditions. Algorithms developed to predict the effect of missense changes on protein structure and function (SIFT, PolyPhen-2, Align-GVGD) all suggest that this variant is likely to be tolerated. In summary, the available evidence is currently insufficient to determine the role of this variant in disease. Therefore, it has been classified as a Variant of Uncertain Significance.

NM_021020.5(LZTS1):c.1112C>A (p.Thr371Asn)

Gene: LZTS1 (leucine zipper tumor suppressor 1; minus strand). Cytogenetic location: 8p21.3.
Variant type: single nucleotide variant.
Coding change: c.1112C>A on transcript NM_021020.5 (MANE Select); coding-DNA position 1112, C replaced by A.
Protein change: p.Thr371Asn; replaces threonine 371 with asparagine.
Molecular consequence: missense variant.
Genome position (GRCh38, 1-based): chr8:20,252,819, G>T on the plus strand (C>A on the coding strand, the complement: LZTS1 is on the minus strand). VCF-style: chr8-20252819-G-T. GRCh37 (hg19) VCF-style: chr8-20110330-G-T.
Other names: c.1112C>A, p.Thr371Asn (NM_001362884.2); short protein forms T371N.
Identifiers: ClinVar variation 1942684 (VCV001942684.5), dbSNP rs1396169061, ClinGen allele CA370476842.